The following is an entry in ClinVar:

NM_000492.4(CFTR):c.2551C>T (p.Arg851Ter)

Gene: CFTR (CF transmembrane conductance regulator; plus strand). Cytogenetic location: 7q31.2.
Variant type: single nucleotide variant.
Coding change: c.2551C>T on transcript NM_000492.4 (MANE Select); coding-DNA position 2551, C replaced by T.
Protein change: p.Arg851Ter; replaces arginine 851 with a stop codon.
Molecular consequence: nonsense.
Genome position (GRCh38, 1-based): chr7:117,594,990, C>T. VCF-style: chr7-117594990-C-T. GRCh37 (hg19) VCF-style: chr7-117235044-C-T.
Other names: short protein forms R851*.
Identifiers: ClinVar variation 7141 (VCV000007141.26), dbSNP rs121909012, ClinGen allele CA340645.

ClinVar aggregate classification (germline): Pathogenic. Review status: reviewed by expert panel (3 of 4 stars). 15 submissions from 14 submitters: Pathogenic (1). 14 of the submissions do not count toward it. Last evaluated 2017-03-17.

Conditions:
CFTR-related disorder (CFTR-RD). Also called: CFTR-related condition; CFTR-related disorders. Identifiers: MedGen C5924204, MONDO:7770004.
Cystic fibrosis (CF). Also called: MUCOVISCIDOSIS. Identifiers: Orphanet 586, MedGen C0010674, MONDO:0009061, OMIM 219700. Disease mechanism: loss of function.
Congenital bilateral aplasia of vas deferens from CFTR mutation (CBAVD). Identifiers: Orphanet 48, MedGen C0403814, MONDO:0010178, OMIM 277180. Disease mechanism: loss of function.
Bronchiectasis with or without elevated sweat chloride 1 (BESC1). Also called: Cystic Fibrosis-Like Syndrome. Identifiers: Orphanet 60033, MedGen C2749757, MONDO:0008887, OMIM 211400.

Allele frequency attached by ClinVar (database versions not stated): TOPMed below 0.00001; ExAC 0.00001.

Submissions (15):

CFTR2
Classification: Pathogenic for Cystic fibrosis. Last evaluated: 2017-03-17. Review status: reviewed by expert panel. Criteria: Sosnay PR et al. (Nat Genet 2013). Collection method: research. Allele origin: germline. Affected: yes. Study: CFTR2.

Otogenetics
Classification: Pathogenic for Cystic fibrosis; Congenital bilateral aplasia of vas deferens from CFTR mutation. Last evaluated: 2025-11-21. Review status: criteria provided, single submitter. Criteria: ACMG Guidelines, 2015. Collection method: clinical testing. Allele origin: germline. Not counted in ClinVar's aggregate classification.
Comment: PVS1: Stop gain variant introduces premature stop codon in gene with loss of function as mechanism of disease, predicted to undergo NMD; PM2: Variant not observed in gnomAD (<0.296% threshold); PS3_Supporting: Well-established in vitro and in vivo functional studies supportive of damaging effect on the gene product, with low residual enzymatic activity relative to wild-type reported (PMID: 23065710)

Natera, Inc.
Classification: Pathogenic for CFTR-related disorders. Last evaluated: 2025-08-26. Review status: criteria provided, single submitter. Criteria: Natera Variant Classification Schema (03/2026). Collection method: clinical testing. Allele origin: germline. Not counted in ClinVar's aggregate classification.
Comment: The c.2551C>T variant in CFTR is a nonsense variant predicted to introduce a stop codon at amino acid 851. This variant is expected to result in nonsense mediated decay, truncation, or a dysfunctional protein product. This variant is rare in the general population with a frequency below the threshold expected for the associated phenotype(s). This variant has been observed in one or more individuals affected with the associated recessive disease, as either homozygous or compound heterozygous with a second variant (PMID: 32026723, 1723056, 30979683). Given the available evidence, this variant is classified as Pathogenic.

Labcorp Genetics (formerly Invitae), Labcorp
Classification: Pathogenic for Cystic fibrosis. Last evaluated: 2025-08-11. Review status: criteria provided, single submitter. Criteria: Invitae Variant Classification Sherloc (09022015). Collection method: clinical testing. Allele origin: germline. Not counted in ClinVar's aggregate classification.
Comment: This sequence change creates a premature translational stop signal (p.Arg851*) in the CFTR gene. It is expected to result in an absent or disrupted protein product. Loss-of-function variants in CFTR are known to be pathogenic (PMID: 1695717, 7691345, 9725922). This variant is not present in population databases (gnomAD no frequency). This premature translational stop signal has been observed in individual(s) with congenital bilateral absence of vas deferens (PMID: 22483971). ClinVar contains an entry for this variant (Variation ID: 7141). Algorithms developed to predict the effect of sequence changes on RNA splicing suggest that this variant may disrupt the consensus splice site. For these reasons, this variant has been classified as Pathogenic.

Blueprint Genetics
Classification: Pathogenic for CFTR-related disorders. Last evaluated: 2024-11-19. Review status: criteria provided, single submitter. Criteria: ACMG Guidelines, 2015. Collection method: clinical testing. Allele origin: germline. Affected: yes. Observed: 1 variant allele. Not counted in ClinVar's aggregate classification.

Baylor Genetics
Classification: Pathogenic for Bronchiectasis with or without elevated sweat chloride 1. Last evaluated: 2024-03-07. Review status: criteria provided, single submitter. Criteria: ACMG Guidelines, 2015. Collection method: clinical testing. Allele origin: unknown. Not counted in ClinVar's aggregate classification.

Ambry Genetics
Classification: Pathogenic for Cystic fibrosis. Last evaluated: 2023-11-03. Review status: criteria provided, single submitter. Criteria: Ambry Variant Classification Scheme 2023. Collection method: clinical testing. Allele origin: germline. Not counted in ClinVar's aggregate classification.
Comment: The p.R851* pathogenic mutation (also known as c.2551C>T), located in coding exon 15 of the CFTR gene, results from a C to T substitution at nucleotide position 2551. This changes the amino acid from an arginine to a stop codon within coding exon 15. This mutation was reported in a child with severe cystic fibrosis (White MB et al. Genomics, 1991 Nov;11:778-9) and was identified cystic fibrosis cohorts (Kenkov&aacute; P et al. J. Cyst. Fibros., 2013 Sep;12:532-7; Soltysova A et al. Clin Respir J, 2018 Mar;12:1197-1206). This mutation is associated with elevated sweat chloride levels, pancreatic insufficiency, and a higher rate of Pseudomonas infection (Sosnay PR et al. Nat. Genet., 2013 Oct;45:1160-7). One study suggests that in addition to nonsense mediated decay, the pathogenicity of this mutation is related to an increase in exon 15 skipping (Hinzpeter A et al. Hum. Mutat., 2013 Feb;34:287-91). In addition to the clinical data presented in the literature, this alteration is expected to result in loss of function by premature protein truncation or nonsense-mediated mRNA decay. As such, this alteration is interpreted as a disease-causing mutation.

Women's Health and Genetics/Laboratory Corporation of America, LabCorp
Classification: Pathogenic for Cystic fibrosis. Last evaluated: 2022-06-16. Review status: criteria provided, single submitter. Criteria: LabCorp Variant Classification Summary - May 2015. Collection method: clinical testing. Allele origin: germline. Not counted in ClinVar's aggregate classification.
Comment: Variant summary: CFTR c.2551C>T (p.Arg851X) results in a premature termination codon, predicted to cause a truncation of the encoded protein or absence of the protein due to nonsense mediated decay, which are commonly known mechanisms for disease. Truncations downstream of this position have been classified as pathogenic by our laboratory. The variant was absent in 251312 control chromosomes (gnomAD). c.2551C>T has been reported in the literature in multiple individuals affected with Cystic Fibrosis (e.g. Sosnay_2013). These data indicate that the variant is very likely to be associated with disease. Experimental evidence evaluating an impact on protein function demonstrated the variant induced two defects: the generation of a PTC and alternative splicing of exon 15 (Hinzpeter_2012). Five ClinVar submitters including an expert panel (CFTR2) (evaluation after 2014) cite the variant as pathogenic. Based on the evidence outlined above, the variant was classified as pathogenic.

Quest Diagnostics Nichols Institute San Juan Capistrano
Classification: Pathogenic. Last evaluated: 2021-07-23. Review status: criteria provided, single submitter. Criteria: Quest Diagnostics criteria. Collection method: clinical testing. Allele origin: unknown. Not counted in ClinVar's aggregate classification.
Comment: This nonsense variant causes the premature termination of CFTR protein synthesis. In addition, it has been reported in individuals affected with Cystic Fibrosis and Congenital Bilateral Absence of the Vas Deferens (CBAVD) in the published literature (PMID: 9439669 (1997), 28603918 (2017), 23974870 (2013), 22483971 (2012), 19202204 (2008), 17331079 (2007), 10923036 (2000)). In addition, this variant has been shown to result in exon 15 skipping (PMID: 23065710 (2013)). Based on the available information, this variant is classified as pathogenic.

Mendelics
Classification: Pathogenic for Cystic fibrosis. Last evaluated: 2018-11-05. Review status: criteria provided, single submitter. Criteria: Mendelics Assertion Criteria 2017. Collection method: clinical testing. Allele origin: unknown. Affected: yes. Not counted in ClinVar's aggregate classification.

CFTR-France
Classification: Pathogenic for cystic fibrosis. Last evaluated: 2018-01-29. Review status: criteria provided, single submitter. Criteria: Claustres M et al. (Hum Mutat 2017). Collection method: curation. Allele origin: germline. Affected: yes. Not counted in ClinVar's aggregate classification.

Baylor Genetics
Classification: Pathogenic for Congenital bilateral aplasia of vas deferens from CFTR mutation; Cystic fibrosis. Review status: criteria provided, single submitter. Criteria: ACMG Guidelines, 2015. Collection method: clinical testing. Allele origin: germline. Not counted in ClinVar's aggregate classification.

Department of Urology, First Affiliated Hospital of Nanjing Medical University
Classification: Pathogenic for Cystic fibrosis. Last evaluated: 2023-12-25. Review status: no assertion criteria provided. Collection method: clinical testing. Allele origin: maternal. Affected: yes. Observed: 1 variant allele. Not counted in ClinVar's aggregate classification.

Counsyl
Classification: Likely pathogenic for Cystic fibrosis. Last evaluated: 2014-11-24. Review status: no assertion criteria provided. Collection method: literature only. Allele origin: unknown. Inheritance: Autosomal recessive inheritance. Not counted in ClinVar's aggregate classification.

OMIM
Classification: Pathogenic for CYSTIC FIBROSIS. Last evaluated: 1991-11-01. Review status: no assertion criteria provided. Collection method: literature only. Allele origin: germline. Not counted in ClinVar's aggregate classification.

Literature cited by the submitters: PubMed 23065710 (cited by 5 submitters); PubMed 32026723 (cited by Natera, Inc.); PubMed 1723056 (cited by 5 submitters); PubMed 30979683 (cited by Natera, Inc.); PubMed 1695717 (cited by Labcorp Genetics (formerly Invitae), Labcorp); PubMed 7691345 (cited by Labcorp Genetics (formerly Invitae), Labcorp); PubMed 9725922 (cited by Labcorp Genetics (formerly Invitae), Labcorp); PubMed 22483971 (cited by Labcorp Genetics (formerly Invitae), Labcorp and Quest Diagnostics Nichols Institute San Juan Capistrano); PubMed 23276700 (cited by 3 submitters); PubMed 23974870 (cited by 3 submitters); PubMed 28544683 (cited by Ambry Genetics); PubMed 28603918 (cited by Quest Diagnostics Nichols Institute San Juan Capistrano); PubMed 19202204 (cited by Quest Diagnostics Nichols Institute San Juan Capistrano and Counsyl); PubMed 17331079 (cited by Quest Diagnostics Nichols Institute San Juan Capistrano and Counsyl); PubMed 24633926 (cited by Quest Diagnostics Nichols Institute San Juan Capistrano and Counsyl); PubMed 23687349 (cited by Quest Diagnostics Nichols Institute San Juan Capistrano and Counsyl); PubMed 15776432 (cited by Quest Diagnostics Nichols Institute San Juan Capistrano and Counsyl); PubMed 10923036 (cited by Quest Diagnostics Nichols Institute San Juan Capistrano and Counsyl); PubMed 9439669 (cited by Quest Diagnostics Nichols Institute San Juan Capistrano and Counsyl); PubMed 31036917 (cited by Quest Diagnostics Nichols Institute San Juan Capistrano); PubMed 15181619 (cited by Counsyl); PubMed 24019231 (cited by Counsyl).